The following is an entry in ClinVar:

NM_001371279.1(REEP1):c.837G>T (p.Ser279=)

Gene: REEP1 (receptor accessory protein 1; minus strand). Cytogenetic location: 2p11.2.
Variant type: single nucleotide variant.
Coding change: c.837G>T on transcript NM_001371279.1 (MANE Select); coding-DNA position 837, G replaced by T.
Protein change: p.Ser279=; no amino-acid change (serine 279 retained).
Molecular consequence: synonymous variant. On other transcripts: 3 prime UTR variant (3).
Genome position (GRCh38, 1-based): chr2:86,217,057, C>A on the plus strand (G>T on the coding strand, the complement: REEP1 is on the minus strand). VCF-style: chr2-86217057-C-A. GRCh37 (hg19) VCF-style: chr2-86444180-C-A.
Other names: 606+43G-T, 3-PRIME UTR; c.*43G>T (NM_001164730.2, NM_001164731.2, NM_022912.3); c.414G>T, p.Ser138= (NM_001164732.2); c.471G>T, p.Ser157= (NM_001371280.1); c.414G>T (NM_001164732.1).
Identifiers: ClinVar variation 1861 (VCV000001861.62), dbSNP rs377637314, ClinGen allele CA115245.

ClinVar aggregate classification (germline): Conflicting classifications of pathogenicity. Review status: criteria provided, conflicting classifications (1 of 4 stars). 13 submissions from 13 submitters: Uncertain significance (2); Benign (4); Likely benign (5). 2 of the submissions do not count toward it. Last evaluated 2026-09-01.

Conditions:
REEP1-related disorder. Also called: REEP1-related condition.
Inborn genetic diseases. Identifiers: MedGen C0950123, MeSH D030342.
Neuronopathy, distal hereditary motor, type 5B. Also called: HMN VB; DHMN VB; NEURONOPATHY, DISTAL HEREDITARY MOTOR, HARDING TYPE VB; NEUROPATHY, DISTAL HEREDITARY MOTOR, HARDING TYPE VB; SPINAL MUSCULAR ATROPHY, DISTAL, HARDING TYPE VB. Identifiers: Orphanet 139536, MedGen C3553656, MONDO:0013884, OMIM 614751.
Hereditary spastic paraplegia. Also called: Familial spastic paraparesis. Identifiers: Orphanet 685, MedGen C0037773, MONDO:0019064. Disease mechanism: loss of function.
Hereditary spastic paraplegia 31. Also called: SPASTIC PARAPLEGIA 31, AUTOSOMAL DOMINANT. Identifiers: Orphanet 101011, MedGen C1853247, MONDO:0012453, OMIM 610250.

Allele frequency attached by ClinVar (database versions not stated): ExAC 0.00084; TOPMed 0.00054; gnomAD 0.00067 and 0.00068; ESP Exome Variant Server 0.00077.
gnomAD v4.1: 1,242 of 1,613,806 alleles (0.077%); highest among the groups gnomAD compares: South Asian, 0.11%; 2 homozygotes.

Submissions (13):

CeGaT Center for Human Genetics Tuebingen
Classification: Likely benign. Last evaluated: 2026-09-01. Review status: criteria provided, single submitter. Criteria: CeGaT Center For Human Genetics Tuebingen Variant Classification Criteria Version 2. Collection method: clinical testing. Allele origin: germline. Affected: yes. Observed: 5 variant alleles.
Comment: REEP1: BP4, BP7

Labcorp Genetics (formerly Invitae), Labcorp
Classification: Benign for Hereditary spastic paraplegia 31. Last evaluated: 2025-07-14. Review status: criteria provided, single submitter. Criteria: Invitae Variant Classification Sherloc (09022015). Collection method: clinical testing. Allele origin: germline.

Women's Health and Genetics/Laboratory Corporation of America, LabCorp
Classification: Benign. Last evaluated: 2025-05-05. Review status: criteria provided, single submitter. Criteria: LabCorp Variant Classification Summary - May 2015. Collection method: clinical testing. Allele origin: germline.
Comment: Variant summary: REEP1 NM_022912.3 c.*43G>T is located in the untranslated mRNA region downstream of the termination codon. This variant, also annotated as NM_001371279.1 c.837G>T (p.Ser279=) alters a non-conserved nucleotide resulting in a synonymous change. Consensus agreement among computation tools predicts no significant impact on normal splicing. However, these predictions have yet to be confirmed by functional studies. The variant allele was found at a frequency of 0.00077 in 1613806 control chromosomes, predominantly at a frequency of 0.0011 within the Non-Finnish European subpopulation in the gnomAD database (v4.1 dataset), including 1 homozygote. This frequency is similar to the maximum estimated for a pathogenic variant in REEP1 causing Spinal muscular atrophy, distal, autosomal recessive, 6 (0.0011), suggesting that the variant is benign. The variant, c.*43G>T (also described as c.606+43G>T) has been observed in early studies in heterozygous individuals affected with spastic paraplegia (e.g. Zuchner_2006, Beetz_2008), however other family members carrying the variant were reported as unaffected, therefore these data do not support a causal role for this variant in the heterozygous state. To our knowledge, no experimental evidence demonstrating an impact on protein function has been reported. The following publications have been ascertained in the context of this evaluation (PMID: 16826527, 18321925). ClinVar contains an entry for this variant (Variation ID: 1861). Based on the evidence outlined above, the variant was classified as benign.

Blueprint Genetics
Classification: Likely benign. Last evaluated: 2024-11-26. Review status: criteria provided, single submitter. Criteria: ACMG Guidelines, 2015. Collection method: clinical testing. Allele origin: germline.

ARUP Laboratories, Molecular Genetics and Genomics, ARUP Laboratories
Classification: Uncertain significance. Last evaluated: 2023-12-22. Review status: criteria provided, single submitter. Criteria: ARUP Molecular Germline Variant Investigation Process 2024. Collection method: clinical testing. Allele origin: germline.
Comment: The REEP1 c.*43G>T variant (rs377637314), also known as c.606+43G>T, is reported in the literature in multiple individuals affected with spastic paraplegia, many of whom also had a family history of disease (Beetz 2008, Elert-Dobkowska 2015, Hewamadduma 2009, Schlang 2008, Zuchner 2006). This variant has been observed in at least one unaffected relative of an affected individual, although no neurological examination of the unaffected individual was performed (Beetz 2008). The c.*43G>T variant is reported in ClinVar (Variation ID: 1861), and is observed in the non-Finnish European population with an overall allele frequency of 0.14% (180/126816 alleles) in the Genome Aggregation Database. This variant occurs in the 3' untranslated region at a nucleotide that is moderately conserved and is predicted to alter a microRNA binding site and impact protein levels (Zuchner 2006), although functional studies would be required to confirm this. In an alternative transcript, NM_001164732.1, this is a synonymous variant, but computational analyses (Alamut v.2.11) predict that it does not alter splicing. Given the lack of clinical and functional data, the significance of the c.*43G>T variant is uncertain at this time. REFERENCES Beetz C et al. REEP1 mutation spectrum and genotype/phenotype correlation in hereditary spastic paraplegia type 31. Brain. 2008 Apr;131(Pt 4):1078-86. PMID: 18321925. Elert-Dobkowska E et al. Molecular spectrum of the SPAST, ATL1 and REEP1 gene mutations associated with the most common hereditary spastic paraplegias in a group of Polish patients. J Neurol Sci. 2015 Dec 15;359(1-2):35-9. PMID: 26671083. Hewamadduma C et al. New pedigrees and novel mutation expand the phenotype of REEP1-associated hereditary spastic paraplegia (HSP). Neurogenetics. 2009 Apr;10(2):105-10. PMID: 19034539. Schlang KJ et al. Autosomal dominant hereditary spastic paraplegia: novel mutations in the REEP1 gene (SPG31). BMC Med Genet. 2008 Jul 21;9:71. PMID: 18644145. Zuchner S et al. Mutations in the novel mitochondrial protein REEP1 cause hereditary spastic paraplegia type 31. Am J Hum Genet. 2006 Aug;79(2):365-9. PMID: 16826527.

Mendelics
Classification: Benign for Hereditary spastic paraplegia 31. Last evaluated: 2023-08-22. Review status: criteria provided, single submitter. Criteria: Mendelics Assertion Criteria 2019. Collection method: clinical testing. Allele origin: germline.

Ambry Genetics
Classification: Likely benign for Inborn genetic diseases. Last evaluated: 2023-06-09. Review status: criteria provided, single submitter. Criteria: Ambry Variant Classification Scheme 2023. Collection method: clinical testing. Allele origin: germline.

GeneDx
Classification: Likely benign. Last evaluated: 2021-01-11. Review status: criteria provided, single submitter. Criteria: GeneDx Variant Classification Process June 2021. Collection method: clinical testing. Allele origin: germline. Affected: yes.
Comment: This variant is associated with the following publications: (PMID: 19034539, 18644145, 26671083, 20718791, 18321925, 19290790, 16826527)

Genome Diagnostics Laboratory, The Hospital for Sick Children
Classification: Likely benign for Hereditary spastic paraplegia. Last evaluated: 2019-11-01. Review status: criteria provided, single submitter. Criteria: ACMG Guidelines, 2015. Collection method: clinical testing. Allele origin: germline. Affected: yes.

Baylor Genetics
Classification: Uncertain significance for Neuronopathy, distal hereditary motor, type 5B. Last evaluated: 2018-03-01. Review status: criteria provided, single submitter. Criteria: ACMG Guidelines, 2015. Collection method: clinical testing. Allele origin: unknown. Affected: yes.
Comment: This variant was determined to be of uncertain significance according to ACMG Guidelines, 2015 [PMID:25741868].

Illumina Laboratory Services, Illumina
Classification: Benign for Hereditary spastic paraplegia 31. Last evaluated: 2017-04-27. Review status: criteria provided, single submitter. Criteria: ICSL Variant Classification Criteria 13 December 2019. Collection method: clinical testing. Allele origin: germline.
Comment: This variant was observed as part of a predisposition screen in an ostensibly healthy population. A literature search was performed for the gene, cDNA change, and amino acid change (where applicable). Publications were found based on this search. The evidence from the literature, in combination with allele frequency data from public databases where available, was sufficient to rule this variant out of causing disease. Therefore, this variant is classified as benign.

PreventionGenetics, part of Exact Sciences
Classification: Likely benign for REEP1-related condition. Last evaluated: 2020-10-28. Review status: no assertion criteria provided. Collection method: clinical testing. Allele origin: germline. Not counted in ClinVar's aggregate classification.
Comment: This variant is classified as likely benign based on ACMG/AMP sequence variant interpretation guidelines (Richards et al. 2015 PMID: 25741868, with internal and published modifications).

OMIM
Classification: Pathogenic for SPASTIC PARAPLEGIA 31, AUTOSOMAL DOMINANT. Last evaluated: 2009-04-01. Review status: no assertion criteria provided. Collection method: literature only. Allele origin: germline. Not counted in ClinVar's aggregate classification.

Literature cited by the submitters: PubMed 16826527 (cited by 3 submitters); PubMed 18321925 (cited by 3 submitters); PubMed 20718791 (cited by Illumina Laboratory Services, Illumina); PubMed 19034539 (cited by Illumina Laboratory Services, Illumina and OMIM).